The following is an entry in ClinVar:

NM_198252.3(GSN):c.-9-2101_-9-2095del

Gene: GSN (gelsolin; plus strand). Cytogenetic location: 9q33.2.
Variant type: Deletion.
Coding change: c.-9-2101_-9-2095del on transcript NM_198252.3 (MANE Select); 2101 bases into the intron before 9 bases upstream of the start codon through 2095 bases into the intron before 9 bases upstream of the start codon, 7 bases deleted (ATGGCTC; older notation c.-9-2101_-9-2095delATGGCTC).
Molecular consequence: intron variant. On other transcripts: frameshift variant (1), initiator codon variant (1).
Genome position (GRCh38, 1-based): chr9:121,299,862-121,299,868, ATGGCTC deleted; deleting any 7 consecutive bases within chr9:121,299,861-121,299,868 gives the same sequence; the c. name uses the placement nearest the transcript's 3' end. VCF-style (leftmost placement, unchanged base first): chr9-121299860-CCATGGCT-C. GRCh37 (hg19) VCF-style: chr9-124062138-CCATGGCT-C.
Other names: c.1_7del, p.Met1fs (NM_000177.5); c.-9-2101_-9-2095del (NM_001353054.1, NM_001353053.1, NM_001353060.2 and 5 more transcripts); c.-47-194_-47-188del (NM_001353064.2, NM_001353066.2, NM_001353072.2 and 7 more transcripts); c.-1-2109_-1-2103del (NM_001353058.2, NM_001353059.2, NM_001353056.2 and 1 more transcripts); c.-38-203_-38-197del (NM_001353073.2, NM_001353065.2, NM_001353068.2 and 2 more transcripts); c.100-2101_100-2095del (NM_001127663.2); c.-32-209_-32-203del (NM_001353070.2); c.-48-2062_-48-2056del (NM_001353055.2); and 4 more; short protein forms M1fs.
Identifiers: ClinVar variation 2503175 (VCV002503175.2), dbSNP rs2540471766, ClinGen allele CA2580616296.

ClinVar aggregate classification (germline): Uncertain significance (1 of 4 stars; one submission).

Submission:

GeneDx
Classification: Uncertain significance. Last evaluated: 2022-11-25. Review status: criteria provided, single submitter. Criteria: GeneDx Variant Classification Process June 2021. Collection method: clinical testing. Allele origin: germline. Affected: yes.
Comment: Not observed at significant frequency in large population cohorts (gnomAD); Initiation codon variant in a gene for which loss of function is not a known mechanism of disease; Has not been previously published as pathogenic or benign to our knowledge